The following is an entry in ClinVar:

ClinVar aggregate classification (germline): Uncertain significance (1 of 4 stars; one submission).

Conditions:
Hereditary cancer-predisposing syndrome. Also called: Hereditary neoplastic syndrome; Neoplastic Syndromes, Hereditary; Tumor predisposition; Hereditary Cancer Syndrome. Identifiers: Orphanet 140162, MedGen C0027672, MeSH D009386, MONDO:0015356.

Submission:

Ambry Genetics
Classification: Uncertain significance for Hereditary cancer-predisposing syndrome. Last evaluated: 2025-07-03. Review status: criteria provided, single submitter. Criteria: Ambry Variant Classification Scheme 2023. Collection method: clinical testing. Allele origin: germline.
Comment: The p.E438K variant (also known as c.1312G>A), located in coding exon 8 of the PDGFRA gene, results from a G to A substitution at nucleotide position 1312. The glutamic acid at codon 438 is replaced by lysine, an amino acid with similar properties. This amino acid position is conserved. In addition, this alteration is predicted to be tolerated by in silico analysis. Based on the available evidence, the clinical significance of this variant remains unclear.

NM_006206.6(PDGFRA):c.1312G>A (p.Glu438Lys)

Gene: PDGFRA (platelet derived growth factor receptor alpha; plus strand). Cytogenetic location: 4q12.
Variant type: single nucleotide variant.
Coding change: c.1312G>A on transcript NM_006206.6 (MANE Select); coding-DNA position 1312, G replaced by A.
Protein change: p.Glu438Lys; replaces glutamic acid 438 with lysine.
Molecular consequence: missense variant.
Genome position (GRCh38, 1-based): chr4:54,272,468, G>A. VCF-style: chr4-54272468-G-A. GRCh37 (hg19) VCF-style: chr4-55138635-G-A.
Other names: c.1387G>A, p.Glu463Lys (NM_001347828.2); c.1312G>A, p.Glu438Lys (NM_001347829.2, NM_001347827.2); c.1351G>A, p.Glu451Lys (NM_001347830.2); short protein forms E451K, E438K, E463K.
Identifiers: ClinVar variation 4133990 (VCV004133990.1).